The following is an entry in ClinVar:

NM_000093.5(COL5A1):c.5407G>A (p.Asp1803Asn)

Genes: COL5A1 (collagen type V alpha 1 chain; plus strand), LOC101448202 (uncharacterized LOC101448202; minus strand). Cytogenetic location: 9q34.3.
Variant type: single nucleotide variant.
Coding change: c.5407G>A on transcript NM_000093.5 (MANE Select); coding-DNA position 5407, G replaced by A.
Protein change: p.Asp1803Asn; replaces aspartic acid 1803 with asparagine.
Molecular consequence: missense variant.
Genome position (GRCh38, 1-based): chr9:134,842,193, G>A. VCF-style: chr9-134842193-G-A. GRCh37 (hg19) VCF-style: chr9-137734039-G-A.
Other names: p.D1803N:GAC>AAC; c.5407G>A, p.Asp1803Asn (NM_001278074.1); short protein forms D1803N.
Identifiers: ClinVar variation 136915 (VCV000136915.33), dbSNP rs61729495, ClinGen allele CA290323.

ClinVar aggregate classification (germline): Benign/Likely benign. Review status: criteria provided, multiple submitters, no conflicts (2 of 4 stars). 12 submissions from 11 submitters: Benign (7); Likely benign (5). Last evaluated 2026-02-02.

Conditions:
Ehlers-Danlos syndrome, classic type, 1 (EDSCL1). Also called: Ehlers-Danlos syndrome, type 1; Ehlers-Danlos Syndrome, Classic Type, COL5A1-Related; EDS I; EHLERS-DANLOS SYNDROME, GRAVIS TYPE; EHLERS-DANLOS SYNDROME, SEVERE CLASSIC TYPE. Identifiers: MedGen C0268335, MONDO:0019567, OMIM 130000.
Fibromuscular dysplasia, multifocal. Identifiers: MedGen C5543412, MONDO:0859151, OMIM 619329.
Ehlers-Danlos syndrome (EDS). Identifiers: Orphanet 98249, MedGen C0013720, MONDO:0020066.
Familial thoracic aortic aneurysm and aortic dissection (TAAD). Also called: Thoracic aortic aneurysms and dissections. Identifiers: Orphanet 91387, MedGen C4707243, MONDO:0019625.

Allele frequency attached by ClinVar (database versions not stated): gnomAD exomes 0.00036 and 0.00090; ExAC 0.00110; gnomAD 0.00358 and 0.00394; TOPMed 0.00394; 1000 Genomes Project 0.00419; ESP Exome Variant Server 0.00438; 1000 Genomes Project 30x 0.00500.
gnomAD v4.1: 1,094 of 1,613,872 alleles (0.068%); highest among the groups gnomAD compares: African/African-American, 1.3%; 3 homozygotes.

Submissions (12):

Labcorp Genetics (formerly Invitae), Labcorp
Classification: Benign for Ehlers-Danlos syndrome, classic type, 1. Last evaluated: 2026-02-02. Review status: criteria provided, single submitter. Criteria: Invitae Variant Classification Sherloc (09022015). Collection method: clinical testing. Allele origin: germline.

Molecular Diagnostic Laboratory for Inherited Cardiovascular Disease, Montreal Heart Institute
Classification: Likely benign. Last evaluated: 2025-07-24. Review status: criteria provided, single submitter. Criteria: ACMG Guidelines, 2015. Collection method: clinical testing. Allele origin: germline. Affected: no.
Comment: BS1;BP4

Blueprint Genetics
Classification: Likely benign. Last evaluated: 2024-11-11. Review status: criteria provided, single submitter. Criteria: ACMG Guidelines, 2015. Collection method: clinical testing. Allele origin: germline.

Women's Health and Genetics/Laboratory Corporation of America, LabCorp
Classification: Likely benign. Last evaluated: 2023-08-24. Review status: criteria provided, single submitter. Criteria: LabCorp Variant Classification Summary - May 2015. Collection method: clinical testing. Allele origin: germline.

Mayo Clinic Laboratories, Mayo Clinic
Classification: Benign. Last evaluated: 2023-04-06. Review status: criteria provided, single submitter. Criteria: ACMG Guidelines, 2015. Collection method: clinical testing. Allele origin: germline. Observed: 6 variant alleles.
Comment: BS1, BP4

ARUP Laboratories, Molecular Genetics and Genomics, ARUP Laboratories
Classification: Benign. Last evaluated: 2022-03-25. Review status: criteria provided, single submitter. Criteria: ARUP Molecular Germline Variant Investigation Process 2021. Collection method: clinical testing. Allele origin: germline.

Genome-Nilou Lab
Classification: Benign for Ehlers-Danlos syndrome, classic type, 1. Last evaluated: 2022-03-15. Review status: criteria provided, single submitter. Criteria: ACMG Guidelines, 2015. Collection method: clinical testing. Allele origin: germline. Affected: no.

Genome-Nilou Lab
Classification: Benign for Fibromuscular dysplasia, multifocal. Last evaluated: 2022-03-15. Review status: criteria provided, single submitter. Criteria: ACMG Guidelines, 2015. Collection method: clinical testing. Allele origin: germline. Affected: no.

Fulgent Genetics
Classification: Likely benign for Ehlers-Danlos syndrome, classic type, 1; Fibromuscular dysplasia, multifocal. Last evaluated: 2021-10-01. Review status: criteria provided, single submitter. Criteria: ACMG Guidelines, 2015. Collection method: clinical testing. Allele origin: unknown.

Genome Diagnostics Laboratory, The Hospital for Sick Children
Classification: Likely benign for Ehlers-Danlos syndrome. Last evaluated: 2020-05-01. Review status: criteria provided, single submitter. Criteria: ACMG Guidelines, 2015. Collection method: clinical testing. Allele origin: germline.

Ambry Genetics
Classification: Benign for Familial thoracic aortic aneurysm and aortic dissection. Last evaluated: 2015-08-21. Review status: criteria provided, single submitter. Criteria: Ambry Variant Classification Scheme 2023. Collection method: clinical testing. Allele origin: germline.

GeneDx
Classification: Benign. Last evaluated: 2013-01-24. Review status: criteria provided, single submitter. Criteria: GeneDx Variant Classification (06012015). Collection method: clinical testing. Allele origin: germline. Affected: yes.
Comment: This variant is considered likely benign or benign based on one or more of the following criteria: it is a conservative change, it occurs at a poorly conserved position in the protein, it is predicted to be benign by multiple in silico algorithms, and/or has population frequency not consistent with disease.